The following is an entry in ClinVar:

ClinVar aggregate classification (germline): Uncertain significance (1 of 4 stars; one submission).

Conditions:
Developmental and epileptic encephalopathy. Identifiers: MedGen C5779964, MONDO:0100620.

Allele frequency attached by ClinVar (database versions not stated): ExAC 0.00002; gnomAD 0.00002; TOPMed 0.00003.

Submission:

Labcorp Genetics (formerly Invitae), Labcorp
Classification: Uncertain significance for Early-infantile DEE. Last evaluated: 2022-08-20. Review status: criteria provided, single submitter. Criteria: Invitae Variant Classification Sherloc (09022015). Collection method: clinical testing. Allele origin: germline.
Comment: In summary, the available evidence is currently insufficient to determine the role of this variant in disease. Therefore, it has been classified as a Variant of Uncertain Significance. Algorithms developed to predict the effect of missense changes on protein structure and function are either unavailable or do not agree on the potential impact of this missense change (SIFT: "Deleterious"; PolyPhen-2: "Probably Damaging"; Align-GVGD: "Class C0"). This variant has not been reported in the literature in individuals affected with CACNA2D2-related conditions. This variant is present in population databases (rs762564701, gnomAD 0.003%). This sequence change replaces arginine, which is basic and polar, with histidine, which is basic and polar, at codon 258 of the CACNA2D2 protein (p.Arg258His).

NM_006030.4(CACNA2D2):c.773G>A (p.Arg258His)

Gene: CACNA2D2 (calcium voltage-gated channel auxiliary subunit alpha2delta 2; minus strand). Cytogenetic location: 3p21.31.
Variant type: single nucleotide variant.
Coding change: c.773G>A on transcript NM_006030.4 (MANE Select); coding-DNA position 773, G replaced by A.
Protein change: p.Arg258His; replaces arginine 258 with histidine.
Molecular consequence: missense variant.
Genome position (GRCh38, 1-based): chr3:50,381,006, C>T on the plus strand (G>A on the coding strand, the complement: CACNA2D2 is on the minus strand). VCF-style: chr3-50381006-C-T. GRCh37 (hg19) VCF-style: chr3-50418437-C-T.
Other names: c.773G>A, p.Arg258His (NM_001005505.3, NM_001174051.3, NM_001410768.1); c.566G>A, p.Arg189His (NM_001291101.1); short protein forms R189H, R258H.
Identifiers: ClinVar variation 1978828 (VCV001978828.2), dbSNP rs762564701, ClinGen allele CA2419090.